The following is an entry in ClinVar:

ClinVar aggregate classification (germline): Uncertain significance (1 of 4 stars; one submission).

Allele frequency attached by ClinVar (database versions not stated): gnomAD 0.00001.
gnomAD v4.1: 1 of 1,614,052 alleles (0.000062%); highest among the groups gnomAD compares: African/African-American, 0.0013%; no homozygotes.

Submission:

Labcorp Genetics (formerly Invitae), Labcorp
Classification: Uncertain significance. Last evaluated: 2025-02-03. Review status: criteria provided, single submitter. Criteria: Invitae Variant Classification Sherloc (09022015). Collection method: clinical testing. Allele origin: germline.
Comment: This sequence change replaces serine, which is neutral and polar, with glycine, which is neutral and non-polar, at codon 442 of the VAC14 protein (p.Ser442Gly). This variant is not present in population databases (gnomAD no frequency). This variant has not been reported in the literature in individuals affected with VAC14-related conditions. ClinVar contains an entry for this variant (Variation ID: 1398913). Invitae Evidence Modeling of protein sequence and biophysical properties (such as structural, functional, and spatial information, amino acid conservation, physicochemical variation, residue mobility, and thermodynamic stability) indicates that this missense variant is not expected to disrupt VAC14 protein function with a negative predictive value of 80%. In summary, the available evidence is currently insufficient to determine the role of this variant in disease. Therefore, it has been classified as a Variant of Uncertain Significance.

NM_018052.5(VAC14):c.1324A>G (p.Ser442Gly)

Genes: VAC14 (VAC14 component of PIKFYVE complex; minus strand), VAC14-AS1 (VAC14 antisense RNA 1; plus strand). Cytogenetic location: 16q22.1.
Variant type: single nucleotide variant.
Coding change: c.1324A>G on transcript NM_018052.5 (MANE Select); coding-DNA position 1324, A replaced by G.
Protein change: p.Ser442Gly; replaces serine 442 with glycine.
Molecular consequence: missense variant.
Genome position (GRCh38, 1-based): chr16:70,762,587, T>C on the plus strand (A>G on the coding strand, the complement: VAC14 is on the minus strand). VCF-style: chr16-70762587-T-C. GRCh37 (hg19) VCF-style: chr16-70796490-T-C.
Other names: c.622A>G, p.Ser208Gly (NM_001351157.2); short protein forms S442G, S208G.
Identifiers: ClinVar variation 1398913 (VCV001398913.6), dbSNP rs766459658, ClinGen allele CA396601288.